The following is an entry in ClinVar:

ClinVar aggregate classification (germline): Uncertain significance (1 of 4 stars; one submission).

Conditions:
Familial thoracic aortic aneurysm and aortic dissection (TAAD). Also called: Thoracic aortic aneurysms and dissections. Identifiers: Orphanet 91387, MedGen C4707243, MONDO:0019625.

Submission:

Ambry Genetics
Classification: Uncertain significance for Familial thoracic aortic aneurysm and aortic dissection. Last evaluated: 2026-06-18. Review status: criteria provided, single submitter. Criteria: Ambry Variant Classification Scheme 2023. Collection method: clinical testing. Allele origin: germline.
Comment: The p.F343L variant (also known as c.1029C>A), located in coding exon 15 of the COL3A1 gene, results from a C to A substitution at nucleotide position 1029. The phenylalanine at codon 343 is replaced by leucine, an amino acid with highly similar properties. This amino acid position is conserved. In addition, the in silico prediction for this alteration is inconclusive. Based on the available evidence, the clinical significance of this variant remains unclear.

NM_000090.4(COL3A1):c.1029C>A (p.Phe343Leu)

Gene: COL3A1 (collagen type III alpha 1 chain; plus strand). Cytogenetic location: 2q32.2.
Variant type: single nucleotide variant.
Coding change: c.1029C>A on transcript NM_000090.4 (MANE Select); coding-DNA position 1029, C replaced by A.
Protein change: p.Phe343Leu; replaces phenylalanine 343 with leucine.
Molecular consequence: missense variant.
Genome position (GRCh38, 1-based): chr2:188,992,919, C>A. VCF-style: chr2-188992919-C-A. GRCh37 (hg19) VCF-style: chr2-189857645-C-A.
Other names: short protein forms F343L.
Identifiers: ClinVar variation 5034748 (VCV005034748.1).